The following is an entry in ClinVar:

ClinVar aggregate classification (germline): Pathogenic. Review status: criteria provided, multiple submitters, no conflicts (2 of 4 stars). 2 submissions from 2 submitters: Pathogenic (2). Last evaluated 2026-06-03.

Conditions:
Waardenburg syndrome type 2A (WS2A). Also called: WAARDENBURG SYNDROME WITHOUT DYSTOPIA CANTHORUM. Identifiers: Orphanet 3440, MedGen C1860339, MONDO:0008671, OMIM 193510.

Submissions (2):

MVZ Martinsried, Medicover Genetics
Classification: Pathogenic for Waardenburg syndrome type 2A. Last evaluated: 2026-06-03. Review status: criteria provided, single submitter. Criteria: ClinGen Variant Curation SOP V3.2 + Classification Guidance July2025. Collection method: clinical testing. Allele origin: inherited. Affected: yes. Observed: 1 heterozygote.

Institute of Rare Diseases, West China Hospital, Sichuan University
Classification: Pathogenic for Waardenburg syndrome type 2A. Last evaluated: 2025-01-09. Review status: criteria provided, single submitter. Criteria: ClinGen HL ACMG Specifications v1. Collection method: research. Allele origin: germline. Affected: yes.
Comment: PM1;PVS1;PM2_Supporting

NM_001354604.2(MITF):c.1179+1G>A

Gene: MITF (melanocyte inducing transcription factor; plus strand). Cytogenetic location: 3p13.
Variant type: single nucleotide variant.
Coding change: c.1179+1G>A on transcript NM_001354604.2 (MANE Select); the canonical splice donor site of the intron after coding-DNA position 1179, G replaced by A.
Molecular consequence: splice donor variant.
Genome position (GRCh38, 1-based): chr3:69,959,421, G>A. VCF-style: chr3-69959421-G-A. GRCh37 (hg19) VCF-style: chr3-70008572-G-A.
Other names: c.1110+1G>A (NM_001354607.2); c.1005+1G>A (NM_001354608.2, NM_001184967.2); c.1161+1G>A (NM_198159.3); c.1176+1G>A (NM_001354605.2); c.1158+1G>A (NM_001354606.2, NM_006722.3); c.1113+1G>A (NM_198177.3); c.858+1G>A (NM_000248.4); c.840+1G>A (NM_198158.3); and 1 more.
Identifiers: ClinVar variation 3601275 (VCV003601275.2).
Genomic context (GRCh38, chr3:69,959,421, plus strand): 5'-CTTGAAAACCGACAGAAGAAACTGGAGCACGCCAACCGGCATTTGTTGCTCAGAATACAG[G>A]TACGCAGCCTGAGTTGTGTAAAGTTTACTGCTTTTTACCGACTTCAAGACAGTAGAAACA-3'